The following is an entry in ClinVar:

ClinVar aggregate classification (germline): Uncertain significance (0 of 4 stars; one submission).

Conditions:
BBS5-related disorder. Also called: BBS5-related condition.

Submission:

PreventionGenetics, part of Exact Sciences
Classification: Uncertain significance for BBS5-related condition. Last evaluated: 2024-08-07. Review status: no assertion criteria provided. Collection method: clinical testing. Allele origin: germline.
Comment: The BBS5 c.16G>T variant is predicted to result in the amino acid substitution p.Ala6Ser. To our knowledge, this variant has not been reported in the literature or in a large population database, indicating this variant is rare. At this time, the clinical significance of this variant is uncertain due to the absence of conclusive functional and genetic evidence.

NM_152384.3(BBS5):c.16G>T (p.Ala6Ser)

Genes: BBS5 (Bardet-Biedl syndrome 5; plus strand), LOC129935068 (ATAC-STARR-seq lymphoblastoid active region 16738; plus strand). Cytogenetic location: 2q31.1.
Variant type: single nucleotide variant.
Coding change: c.16G>T on transcript NM_152384.3 (MANE Select); coding-DNA position 16, G replaced by T.
Protein change: p.Ala6Ser; replaces alanine 6 with serine.
Molecular consequence: missense variant.
Genome position (GRCh38, 1-based): chr2:169,479,569, G>T. VCF-style: chr2-169479569-G-T. GRCh37 (hg19) VCF-style: chr2-170336079-G-T.
Other names: short protein forms A6S.
Identifiers: ClinVar variation 3358338 (VCV003358338.1).
Genomic context (GRCh38, chr2:169,479,569, plus strand): 5'-GGCCTGCACGGCTGTGGAGAGATCCTGCCACGGGCCTTGTTCACCATGTCGGTGCTGGAT[G>T]CGCTTTGGGAGGATCGGGATGTCCGTTTCGACCTGTCCGCGCAGTGAGTTTCCAAGATTC-3'
Protein context (NP_689597.1, residues 1-16): MSVLD[Ala6Ser]LWEDRDVRFD